The following is an entry in ClinVar:

NM_018249.6(CDK5RAP2):c.449G>A (p.Arg150Gln)

Gene: CDK5RAP2 (CDK5 regulatory subunit associated protein 2; minus strand). Cytogenetic location: 9q33.2.
Variant type: single nucleotide variant.
Coding change: c.449G>A on transcript NM_018249.6 (MANE Select); coding-DNA position 449, G replaced by A.
Protein change: p.Arg150Gln; replaces arginine 150 with glutamine.
Molecular consequence: missense variant. On other transcripts: non-coding transcript variant (5).
Genome position (GRCh38, 1-based): chr9:120,539,099, C>T on the plus strand (G>A on the coding strand, the complement: CDK5RAP2 is on the minus strand). VCF-style: chr9-120539099-C-T. GRCh37 (hg19) VCF-style: chr9-123301377-C-T.
Other names: c.449G>A, p.Arg150Gln (NM_001011649.3, NM_001272039.2); short protein forms R150Q.
Identifiers: ClinVar variation 235515 (VCV000235515.7), dbSNP rs199723328, ClinGen allele CA5214728.

ClinVar aggregate classification (germline): Conflicting classifications of pathogenicity. Review status: criteria provided, conflicting classifications (1 of 4 stars). 4 submissions from 4 submitters: Uncertain significance (2); Likely benign (1). 1 of the submissions does not count toward it. Last evaluated 2024-12-11.

Conditions:
Inborn genetic diseases. Identifiers: MedGen C0950123, MeSH D030342.
Microcephaly 3, primary, autosomal recessive. Identifiers: Orphanet 2512, MedGen C1858108, MONDO:0011488, OMIM 604804.

Allele frequency attached by ClinVar (database versions not stated): gnomAD exomes 0.00006; ExAC 0.00008; ESP Exome Variant Server 0.00008; TOPMed 0.00008.
gnomAD v4.1: 92 of 1,613,858 alleles (0.0057%); highest among the groups gnomAD compares: Middle Eastern, 0.016%; no homozygotes.

Submissions (4):

Ambry Genetics
Classification: Likely benign for Inborn genetic diseases. Last evaluated: 2024-12-11. Review status: criteria provided, single submitter. Criteria: Ambry Variant Classification Scheme 2023. Collection method: clinical testing. Allele origin: germline.

GeneDx
Classification: Uncertain significance. Last evaluated: 2019-11-30. Review status: criteria provided, single submitter. Criteria: GeneDx Variant Classification Process June 2021. Collection method: clinical testing. Allele origin: germline. Affected: yes.
Comment: Not observed at a significant frequency in large population cohorts (Lek et al., 2016); In silico analysis, which includes protein predictors and evolutionary conservation, supports that this variant does not alter protein structure/function; In-silico analysis, which includes splice predictors and evolutionary conservation, is inconclusive as to whether the variant alters gene splicing. In the absence of RNA/functional studies, the actual effect of this sequence change is unknown; Has not been previously published as pathogenic or benign to our knowledge

Center for Pediatric Genomic Medicine, Children's Mercy Hospital and Clinics
Classification: Uncertain significance. Last evaluated: 2016-02-02. Review status: criteria provided, single submitter. Criteria: ACMG Guidelines, 2015. Collection method: clinical testing. Allele origin: germline.
ClinVar note: Converted during submission from Uncertain Significance to Uncertain significance.

Service de Génétique Moléculaire, Hôpital Robert Debré
Classification: Likely benign for Microcephaly 3, primary, autosomal recessive. Review status: no assertion criteria provided. Collection method: clinical testing. Allele origin: unknown. Affected: yes. Not counted in ClinVar's aggregate classification.